The following is an entry in ClinVar:

NM_004247.4(EFTUD2):c.2515C>T (p.Pro839Ser)

Gene: EFTUD2 (elongation factor Tu GTP binding domain containing 2; minus strand). Cytogenetic location: 17q21.31.
Variant type: single nucleotide variant.
Coding change: c.2515C>T on transcript NM_004247.4 (MANE Select); coding-DNA position 2515, C replaced by T.
Protein change: p.Pro839Ser; replaces proline 839 with serine.
Molecular consequence: missense variant.
Genome position (GRCh38, 1-based): chr17:44,853,342, G>A on the plus strand (C>T on the coding strand, the complement: EFTUD2 is on the minus strand). VCF-style: chr17-44853342-G-A. GRCh37 (hg19) VCF-style: chr17-42930710-G-A.
Other names: c.2410C>T, p.Pro804Ser (NM_001142605.2); c.2515C>T, p.Pro839Ser (NM_001258353.2); c.2485C>T, p.Pro829Ser (NM_001258354.2); short protein forms P804S, P829S, P839S.
Identifiers: ClinVar variation 3604030 (VCV003604030.2).

ClinVar aggregate classification (germline): Uncertain significance (1 of 4 stars; one submission).

gnomAD v4.1: 14 of 1,613,970 alleles (0.00087%); highest among the groups gnomAD compares: African/African-American, 0.0013%; no homozygotes.

Submission:

Labcorp Genetics (formerly Invitae), Labcorp
Classification: Uncertain significance. Last evaluated: 2024-09-10. Review status: criteria provided, single submitter. Criteria: Invitae Variant Classification Sherloc (09022015). Collection method: clinical testing. Allele origin: germline.
Comment: This sequence change replaces proline, which is neutral and non-polar, with serine, which is neutral and polar, at codon 839 of the EFTUD2 protein (p.Pro839Ser). This variant is present in population databases (rs369433324, gnomAD 0.0009%). This variant has not been reported in the literature in individuals affected with EFTUD2-related conditions. Invitae Evidence Modeling of protein sequence and biophysical properties (such as structural, functional, and spatial information, amino acid conservation, physicochemical variation, residue mobility, and thermodynamic stability) indicates that this missense variant is not expected to disrupt EFTUD2 protein function with a negative predictive value of 80%. In summary, the available evidence is currently insufficient to determine the role of this variant in disease. Therefore, it has been classified as a Variant of Uncertain Significance.